The following is an entry in ClinVar:

NM_020821.3(VPS13C):c.10847G>A (p.Gly3616Asp)

Gene: VPS13C (vacuolar protein sorting 13 homolog C; minus strand). Cytogenetic location: 15q22.2.
Variant type: single nucleotide variant.
Coding change: c.10847G>A on transcript NM_020821.3 (MANE Select); coding-DNA position 10847, G replaced by A.
Protein change: p.Gly3616Asp; replaces glycine 3616 with aspartic acid.
Molecular consequence: missense variant.
Genome position (GRCh38, 1-based): chr15:61,868,675, C>T on the plus strand (G>A on the coding strand, the complement: VPS13C is on the minus strand). VCF-style: chr15-61868675-C-T. GRCh37 (hg19) VCF-style: chr15-62160874-C-T.
Other names: c.10847G>A, p.Gly3616Asp (NM_001018088.3); c.10718G>A, p.Gly3573Asp (NM_017684.5, NM_018080.4); short protein forms G3573D, G3616D.
Identifiers: ClinVar variation 730605 (VCV000730605.24), dbSNP rs77673743, ClinGen allele CA7594213.

ClinVar aggregate classification (germline): Benign. Review status: criteria provided, multiple submitters, no conflicts (2 of 4 stars). 3 submissions from 3 submitters: Benign (3). Last evaluated 2026-06-01.

Allele frequency attached by ClinVar (database versions not stated): gnomAD exomes 0.00104 and 0.00246; ExAC 0.00273; gnomAD 0.00348 and 0.00352; ESP Exome Variant Server 0.00361; TOPMed 0.00457; 1000 Genomes Project 30x 0.00562; 1000 Genomes Project 0.00599.
gnomAD v4.1: 2,062 of 1,614,040 alleles (0.13%); highest among the groups gnomAD compares: East Asian, 2.3%; 19 homozygotes.

Submissions (3):

CeGaT Center for Human Genetics Tuebingen
Classification: Benign. Last evaluated: 2026-06-01. Review status: criteria provided, single submitter. Criteria: CeGaT Center For Human Genetics Tuebingen Variant Classification Criteria Version 2. Collection method: clinical testing. Allele origin: germline. Affected: yes. Observed: 4 variant alleles.
Comment: VPS13C: BS1, BS2

Labcorp Genetics (formerly Invitae), Labcorp
Classification: Benign. Last evaluated: 2025-11-21. Review status: criteria provided, single submitter. Criteria: Invitae Variant Classification Sherloc (09022015). Collection method: clinical testing. Allele origin: germline.

Breakthrough Genomics
Classification: Benign. Review status: criteria provided, single submitter. Criteria: ACMG Guidelines, 2015. Collection method: not provided. Allele origin: germline. Inheritance: Autosomal recessive inheritance. Affected: yes.